The following is an entry in ClinVar:

ClinVar aggregate classification (germline): Uncertain significance. Review status: criteria provided, multiple submitters, no conflicts (2 of 4 stars). 2 submissions from 2 submitters: Uncertain significance (2). Last evaluated 2025-08-14.

Conditions:
Inborn genetic diseases. Identifiers: MedGen C0950123, MeSH D030342.

gnomAD v4.1: 19 of 1,613,924 alleles (0.0012%); highest among the groups gnomAD compares: Admixed American, 0.0033%; no homozygotes.

Submissions (2):

Ambry Genetics
Classification: Uncertain significance for Inborn genetic diseases. Last evaluated: 2025-08-14. Review status: criteria provided, single submitter. Criteria: Ambry Variant Classification Scheme 2023. Collection method: clinical testing. Allele origin: germline.

CeGaT Center for Human Genetics Tuebingen
Classification: Uncertain significance. Last evaluated: 2025-05-01. Review status: criteria provided, single submitter. Criteria: CeGaT Center For Human Genetics Tuebingen Variant Classification Criteria Version 2. Collection method: clinical testing. Allele origin: germline. Affected: yes. Observed: 1 variant allele.
Comment: SLF2: PM2, BP4

NM_018121.4(SLF2):c.1321T>A (p.Leu441Ile)

Gene: SLF2 (SMC5/6 complex localization factor 2; plus strand). Cytogenetic location: 10q24.31.
Variant type: single nucleotide variant.
Coding change: c.1321T>A on transcript NM_018121.4 (MANE Select); coding-DNA position 1321, T replaced by A.
Protein change: p.Leu441Ile; replaces leucine 441 with isoleucine.
Molecular consequence: missense variant.
Genome position (GRCh38, 1-based): chr10:100,924,322, T>A. VCF-style: chr10-100924322-T-A. GRCh37 (hg19) VCF-style: chr10-102684079-T-A.
Other names: c.1321T>A, p.Leu441Ile (NM_001136123.2); c.1321T>A (NM_001136123.1); short protein forms L441I.
Identifiers: ClinVar variation 3904863 (VCV003904863.11).